The following is an entry in ClinVar:

ClinVar aggregate classification (germline): Uncertain significance (1 of 4 stars; one submission).

Conditions:
Hereditary cancer-predisposing syndrome. Also called: Hereditary Cancer Syndrome; Hereditary neoplastic syndrome; Neoplastic Syndromes, Hereditary; Tumor predisposition. Identifiers: Orphanet 140162, MedGen C0027672, MeSH D009386, MONDO:0015356.

Submission:

Ambry Genetics
Classification: Uncertain significance for Hereditary cancer-predisposing syndrome. Last evaluated: 2022-09-26. Review status: criteria provided, single submitter. Criteria: Ambry Variant Classification Scheme 2023. Collection method: clinical testing. Allele origin: germline.
Comment: The p.Q1588H variant (also known as c.4764A>C), located in coding exon 29 of the ALK gene, results from an A to C substitution at nucleotide position 4764. The glutamine at codon 1588 is replaced by histidine, an amino acid with highly similar properties. This amino acid position is conserved. In addition, this alteration is predicted to be tolerated by in silico analysis. Since supporting evidence is limited at this time, the clinical significance of this alteration remains unclear.

NM_004304.5(ALK):c.4764A>C (p.Gln1588His)

Gene: ALK (ALK receptor tyrosine kinase; minus strand). Cytogenetic location: 2p23.2.
Variant type: single nucleotide variant.
Coding change: c.4764A>C on transcript NM_004304.5 (MANE Select); coding-DNA position 4764, A replaced by C.
Protein change: p.Gln1588His; replaces glutamine 1588 with histidine.
Molecular consequence: missense variant.
Genome position (GRCh38, 1-based): chr2:29,193,323, T>G on the plus strand (A>C on the coding strand, the complement: ALK is on the minus strand). VCF-style: chr2-29193323-T-G. GRCh37 (hg19) VCF-style: chr2-29416189-T-G.
Other names: c.1560A>C, p.Gln520His (NM_001353765.2); short protein forms Q520H, Q1588H.
Identifiers: ClinVar variation 1742913 (VCV001742913.2), dbSNP rs2148137196, ClinGen allele CA346460294.